The following is an entry in ClinVar:

ClinVar aggregate classification (germline): Uncertain significance (1 of 4 stars; one submission).

Conditions:
Aland island eye disease (AIED). Also called: Forsius Eriksson type ocular albinism. Identifiers: Orphanet 178333, MedGen C0268505, MONDO:0010371, OMIM 300600.
Congenital stationary night blindness 2A (CSNB2A). Also called: NIGHT BLINDNESS, CONGENITAL STATIONARY, TYPE 2; Night blindness, congenital stationary (incomplete), 2A, X-linked; CACNA1F-Related X-Linked Congenital Stationary Night Blindness; CSNB, INCOMPLETE, X-LINKED. Identifiers: Orphanet 215, MedGen C1848172, MONDO:0010241, OMIM 300071.
X-linked cone-rod dystrophy 3 (CORDX3). Identifiers: Orphanet 1872, MedGen C1845407, MONDO:0010335, OMIM 300476.

Submission:

Juno Genomics, Hangzhou Juno Genomics, Inc
Classification: Uncertain significance for Aland island eye disease; X-linked cone-rod dystrophy 3; Congenital stationary night blindness 2A. Review status: criteria provided, single submitter. Criteria: ACMG Guidelines, 2015. Collection method: clinical testing. Allele origin: germline.
Comment: Absent from controls (or at extremely low frequency if recessive) in Genome Aggregation Database.;Multiple lines of computational evidence support a deleterious effect on the gene or gene product.

NM_001256789.3(CACNA1F):c.496C>T (p.Leu166Phe)

Gene: CACNA1F (calcium voltage-gated channel subunit alpha1 F; minus strand). Cytogenetic location: Xp11.23.
Variant type: single nucleotide variant.
Coding change: c.496C>T on transcript NM_001256789.3 (MANE Select); coding-DNA position 496, C replaced by T.
Protein change: p.Leu166Phe; replaces leucine 166 with phenylalanine.
Molecular consequence: missense variant.
Genome position (GRCh38, 1-based): chrX:49,230,875, G>A on the plus strand (C>T on the coding strand, the complement: CACNA1F is on the minus strand). VCF-style: chrX-49230875-G-A. GRCh37 (hg19) VCF-style: chrX-49087337-G-A.
Other names: c.301C>T, p.Leu101Phe (NM_001256790.3); c.496C>T, p.Leu166Phe (NM_005183.4); short protein forms L166F, L101F.
Identifiers: ClinVar variation 5007574 (VCV005007574.2).